The following is an entry in ClinVar:

ClinVar aggregate classification (germline): Uncertain significance. Review status: criteria provided, multiple submitters, no conflicts (2 of 4 stars). 2 submissions from 2 submitters: Uncertain significance (2). Last evaluated 2023-11-09.

Conditions:
Hereditary cancer-predisposing syndrome. Also called: Hereditary neoplastic syndrome; Neoplastic Syndromes, Hereditary; Tumor predisposition; Hereditary Cancer Syndrome. Identifiers: Orphanet 140162, MedGen C0027672, MeSH D009386, MONDO:0015356.
Tuberous sclerosis syndrome (TSC). Also called: Tuberous Sclerosis Complex; Tuberous sclerosis. Identifiers: Orphanet 805, MedGen C0041341, MONDO:0001734.

Allele frequency attached by ClinVar (database versions not stated): gnomAD 0.00001; 1000 Genomes Project 30x 0.00016.
gnomAD v4.1: 1 of 1,610,490 alleles (0.000062%); highest among the groups gnomAD compares: African/African-American, 0.0013%; no homozygotes.

Submissions (2):

Ambry Genetics
Classification: Uncertain significance for Hereditary cancer-predisposing syndrome. Last evaluated: 2023-11-09. Review status: criteria provided, single submitter. Criteria: Ambry Variant Classification Scheme 2023. Collection method: clinical testing. Allele origin: germline.
Comment: The p.K1404R variant (also known as c.4211A>G), located in coding exon 33 of the TSC2 gene, results from an A to G substitution at nucleotide position 4211. The lysine at codon 1404 is replaced by arginine, an amino acid with highly similar properties. This amino acid position is conserved. In addition, the in silico prediction for this alteration is inconclusive. Since supporting evidence is limited at this time, the clinical significance of this alteration remains unclear.

All of Us Research Program, National Institutes of Health
Classification: Uncertain significance for Tuberous sclerosis syndrome. Last evaluated: 2023-06-28. Review status: criteria provided, single submitter. Criteria: ACMG Guidelines, 2015. Collection method: clinical testing. Allele origin: germline. Inheritance: Autosomal dominant inheritance. Observed: 1 variant allele, 1 heterozygote.
Comment: This study involves interpretation of variants in research participants for the purpose of population health screening. Participant phenotype was not available at the time of variant classification. Additional details can be found in publication PMID: 35346344, PMCID: PMC8962531

NM_000548.5(TSC2):c.4211A>G (p.Lys1404Arg)

Gene: TSC2 (TSC complex subunit 2; plus strand). Cytogenetic location: 16p13.3.
Variant type: single nucleotide variant.
Coding change: c.4211A>G on transcript NM_000548.5 (MANE Select); coding-DNA position 4211, A replaced by G.
Protein change: p.Lys1404Arg; replaces lysine 1404 with arginine.
Molecular consequence: missense variant. On other transcripts: non-coding transcript variant (5).
Genome position (GRCh38, 1-based): chr16:2,084,433, A>G. VCF-style: chr16-2084433-A-G. GRCh37 (hg19) VCF-style: chr16-2134434-A-G.
Other names: c.4031A>G, p.Lys1344Arg (NM_001406670.1); c.4001A>G, p.Lys1334Arg (NM_001406671.1); c.3998A>G, p.Lys1333Arg (NM_001406673.1); c.3995A>G, p.Lys1332Arg (NM_001406675.1); c.3992A>G, p.Lys1331Arg (NM_001406676.1); c.3953A>G, p.Lys1318Arg (NM_001406677.1); c.3899A>G, p.Lys1300Arg (NM_001406678.1); c.3863A>G, p.Lys1288Arg (NM_001406679.1); and 26 more; short protein forms K1137R, K1138R, K1160R, K1180R, K1181R, K1184R, K1204R, K1288R.
Identifiers: ClinVar variation 3072085 (VCV003072085.2), dbSNP rs2090506505, ClinGen allele CA394299958.